The following is an entry in ClinVar:

NM_005633.4(SOS1):c.3290G>A (p.Ser1097Asn)

Gene: SOS1 (SOS Ras/Rac guanine nucleotide exchange factor 1; minus strand). Cytogenetic location: 2p22.1.
Variant type: single nucleotide variant.
Coding change: c.3290G>A on transcript NM_005633.4 (MANE Select); coding-DNA position 3290, G replaced by A.
Protein change: p.Ser1097Asn; replaces serine 1097 with asparagine.
Molecular consequence: missense variant.
Genome position (GRCh38, 1-based): chr2:38,995,179, C>T on the plus strand (G>A on the coding strand, the complement: SOS1 is on the minus strand). VCF-style: chr2-38995179-C-T. GRCh37 (hg19) VCF-style: chr2-39222320-C-T.
Other names: c.3269G>A, p.Ser1090Asn (NM_001382394.1); c.3290G>A, p.Ser1097Asn (NM_001382395.1); short protein forms S1097N, S1090N.
Identifiers: ClinVar variation 372697 (VCV000372697.1), dbSNP rs727505379, ClinGen allele CA16042416.

ClinVar aggregate classification (germline): Uncertain significance (1 of 4 stars; one submission).

gnomAD v4.1: 11 of 1,613,986 alleles (0.00068%); highest among the groups gnomAD compares: South Asian, 0.0011%; no homozygotes.

Submission:

GeneDx
Classification: Uncertain significance. Last evaluated: 2015-10-28. Review status: criteria provided, single submitter. Criteria: GeneDx Variant Classification (06012015). Collection method: clinical testing. Allele origin: germline. Affected: yes.
Comment: The S1097N variant has not been published as a pathogenic variant, nor has it been reported as a benign variant to our knowledge. The S1097N variant was not observed in approximately 6,500 individuals of European and African American ancestry in the NHLBI Exome Sequencing Project, indicating it is not a common benign variant in these populations. The S1097N variant is a conservative amino acid substitution, which is not likely to impact secondary protein structure as these residues share similar properties. However, this substitution occurs at a position that is conserved across species. Consequently, in silico analysis is inconsistent in its predictions as to whether or not the variant is damaging to the protein structure/function. Furthermore, no pathogenic missense variants in nearby residues have been reported in the Human Gene Mutation Database (Stenson et al., 2014), indicating that this region of the gene is not known to harbor disease-causing variants.Therefore, based on the currently available information, it is unclear whether this variant is a pathogenic variant or a rare benign variant